The following is an entry in ClinVar:

ClinVar aggregate classification (germline): Uncertain significance. Review status: criteria provided, multiple submitters, no conflicts (2 of 4 stars). 2 submissions from 2 submitters: Uncertain significance (2). Last evaluated 2025-11-05.

Conditions:
Blepharophimosis - intellectual disability syndrome, MKB type. Also called: BLEPHAROPHIMOSIS-MENTAL RETARDATION SYNDROME, MAAT-KIEVIT-BRUNNER TYPE; Ohdo syndrome, X-linked; X-Linked Ohdo Syndrome (XLOS). Identifiers: Orphanet 293707, MedGen C3698541, MONDO:0010477, OMIM 300895.
FG syndrome (FGS). Identifiers: MedGen C0220769, MONDO:0002010.

Allele frequency attached by ClinVar (database versions not stated): ExAC 0.00004.

Submissions (2):

Labcorp Genetics (formerly Invitae), Labcorp
Classification: Uncertain significance for FG syndrome. Last evaluated: 2025-11-05. Review status: criteria provided, single submitter. Criteria: Invitae Variant Classification Sherloc (09022015). Collection method: clinical testing. Allele origin: germline.
Comment: This sequence change replaces arginine, which is basic and polar, with cysteine, which is neutral and slightly polar, at codon 1496 of the MED12 protein (p.Arg1496Cys). This variant is not present in population databases (gnomAD no frequency). This variant has not been reported in the literature in individuals affected with MED12-related conditions. ClinVar contains an entry for this variant (Variation ID: 1519017). Invitae Evidence Modeling of protein sequence and biophysical properties (such as structural, functional, and spatial information, amino acid conservation, physicochemical variation, residue mobility, and thermodynamic stability) indicates that this missense variant is expected to disrupt MED12 protein function with a positive predictive value of 95%. In summary, the available evidence is currently insufficient to determine the role of this variant in disease. Therefore, it has been classified as a Variant of Uncertain Significance.

Genetics and Molecular Pathology, SA Pathology
Classification: Uncertain significance for Blepharophimosis - intellectual disability syndrome, MKB type. Last evaluated: 2024-04-19. Review status: criteria provided, single submitter. Criteria: ACMG Guidelines, 2015. Collection method: clinical testing. Allele origin: germline. Affected: yes.

NM_005120.3(MED12):c.4486C>T (p.Arg1496Cys)

Gene: MED12 (mediator complex subunit 12; plus strand). Cytogenetic location: Xq13.1.
Variant type: single nucleotide variant.
Coding change: c.4486C>T on transcript NM_005120.3 (MANE Select); coding-DNA position 4486, C replaced by T.
Protein change: p.Arg1496Cys; replaces arginine 1496 with cysteine.
Molecular consequence: missense variant.
Genome position (GRCh38, 1-based): chrX:71,132,915, C>T. VCF-style: chrX-71132915-C-T. GRCh37 (hg19) VCF-style: chrX-70352765-C-T.
Other names: short protein forms R1496C.
Identifiers: ClinVar variation 1519017 (VCV001519017.9), dbSNP rs759105512, ClinGen allele CA10444658.